The following is an entry in ClinVar:

ClinVar aggregate classification (germline): Pathogenic/Likely pathogenic. Review status: criteria provided, multiple submitters, no conflicts (2 of 4 stars). 5 submissions from 5 submitters: Pathogenic (3); Likely pathogenic (2). Last evaluated 2025-11-24.

Conditions:
Familial adenomatous polyposis 4 (FAP4). Also called: MSH3-related attenuated familial adenomatous polyposis. Identifiers: Orphanet 480536, MedGen C4310719, MONDO:0044300, OMIM 617100.
Hereditary cancer-predisposing syndrome. Also called: Tumor predisposition; Hereditary neoplastic syndrome; Neoplastic Syndromes, Hereditary; Hereditary Cancer Syndrome. Identifiers: Orphanet 140162, MedGen C0027672, MeSH D009386, MONDO:0015356.
Endometrial carcinoma. Also called: Endometrial carcinoma, somatic. Identifiers: MedGen C0476089, MONDO:0002447, OMIM 608089, HP:0012114.

Allele frequency attached by ClinVar (database versions not stated): TOPMed below 0.00001; gnomAD 0.00001.
gnomAD v4.1: 3 of 1,613,460 alleles (0.00019%); highest among the groups gnomAD compares: African/African-American, 0.0027%; no homozygotes.

Submissions (5):

Labcorp Genetics (formerly Invitae), Labcorp
Classification: Pathogenic. Last evaluated: 2025-11-24. Review status: criteria provided, single submitter. Criteria: Invitae Variant Classification Sherloc (09022015). Collection method: clinical testing. Allele origin: germline.
Comment: This sequence change creates a premature translational stop signal (p.Tyr476*) in the MSH3 gene. It is expected to result in an absent or disrupted protein product. Loss-of-function variants in MSH3 are known to be pathogenic (PMID: 27476653, 37402566). This variant is present in population databases (no rsID available, gnomAD 0.01%). This variant has not been reported in the literature in individuals affected with MSH3-related conditions. ClinVar contains an entry for this variant (Variation ID: 1072005). For these reasons, this variant has been classified as Pathogenic.

Quest Diagnostics Nichols Institute San Juan Capistrano
Classification: Likely pathogenic. Last evaluated: 2024-11-21. Review status: criteria provided, single submitter. Criteria: Quest Diagnostics criteria. Collection method: clinical testing. Allele origin: unknown.
Comment: The MSH3 c.1428T>A (p.Tyr476*) variant is predicted to cause the premature termination of MSH3 protein synthesis. This variant has not been reported in individuals with MSH3-related conditions in the published literature. The frequency of this variant in the general population, 0.000032 (1/31392 chromosomes (Genome Aggregation Database)), is consistent with pathogenicity. Based on the available information, this variant is classified as likely pathogenic.

Myriad Genetics, Inc.
Classification: Pathogenic for Familial adenomatous polyposis 4. Last evaluated: 2023-08-30. Review status: criteria provided, single submitter. Criteria: Myriad Autosomal Dominant, Autosomal Recessive and X-Linked Classification Criteria (2023). Collection method: clinical testing. Allele origin: unknown.
Comment: This variant is considered pathogenic. This variant creates a termination codon and is predicted to result in premature protein truncation.

Ambry Genetics
Classification: Pathogenic for Hereditary cancer-predisposing syndrome. Last evaluated: 2023-04-10. Review status: criteria provided, single submitter. Criteria: Ambry Variant Classification Scheme 2023. Collection method: clinical testing. Allele origin: germline.
Comment: The p.Y476* pathogenic mutation (also known as c.1428T>A), located in coding exon 9 of the MSH3 gene, results from a T to A substitution at nucleotide position 1428. This changes the amino acid from a tyrosine to a stop codon within coding exon 9. This variant is considered to be rare based on population cohorts in the Genome Aggregation Database (gnomAD). This alteration is expected to result in loss of function by premature protein truncation or nonsense-mediated mRNA decay. As such, this alteration is interpreted as a disease-causing mutation.

Baylor Genetics
Classification: Likely pathogenic for Endometrial carcinoma. Last evaluated: 2021-06-09. Review status: criteria provided, single submitter. Criteria: ACMG Guidelines, 2015. Collection method: clinical testing. Allele origin: unknown.

Literature cited by the submitters: PubMed 27476653 (cited by Labcorp Genetics (formerly Invitae), Labcorp); PubMed 37402566 (cited by Labcorp Genetics (formerly Invitae), Labcorp).

NM_002439.5(MSH3):c.1428T>A (p.Tyr476Ter)

Gene: MSH3 (mutS homolog 3; plus strand). Cytogenetic location: 5q14.1.
Variant type: single nucleotide variant.
Coding change: c.1428T>A on transcript NM_002439.5 (MANE Select); coding-DNA position 1428, T replaced by A.
Protein change: p.Tyr476Ter; replaces tyrosine 476 with a stop codon.
Molecular consequence: nonsense.
Genome position (GRCh38, 1-based): chr5:80,725,540, T>A. VCF-style: chr5-80725540-T-A. GRCh37 (hg19) VCF-style: chr5-80021359-T-A.
Other names: c.1428T>A (NM_002439.3, NM_002439.4); short protein forms Y476*.
Identifiers: ClinVar variation 1072005 (VCV001072005.11), dbSNP rs1398195482, ClinGen allele CA360273670.
Genomic context (GRCh38, chr5:80,725,540, plus strand): 5'-AAGGATGGATAACATTTATTTTGAATACAGCCATGCTTTCCAGGCAGTTACAGAGTTTTA[T>A]GCAAAAGATACAGTTGACATCAAAGGTAAATATTTTCCCTGTATGTCCTCAAGTTGAACT-3'